The following is an entry in ClinVar:

ClinVar aggregate classification (germline): Conflicting classifications of pathogenicity. Review status: criteria provided, conflicting classifications (1 of 4 stars). 2 submissions from 2 submitters: Uncertain significance (1); Likely benign (1). Last evaluated 2024-05-13.

Conditions:
Inborn genetic diseases. Identifiers: MedGen C0950123, MeSH D030342.
COG8-congenital disorder of glycosylation. Also called: CDG IIh; COG8-CDG. Identifiers: Orphanet 95428, MedGen C1970021, MONDO:0012635, OMIM 611182.

Allele frequency attached by ClinVar (database versions not stated): gnomAD 0.00001; TOPMed 0.00001; gnomAD exomes 0.00004 and 0.00006; ExAC 0.00005.
gnomAD v4.1: 66 of 1,613,984 alleles (0.0041%); highest among the groups gnomAD compares: South Asian, 0.035%; 1 homozygote.

Submissions (2):

Ambry Genetics
Classification: Likely benign for Inborn genetic diseases. Last evaluated: 2024-05-13. Review status: criteria provided, single submitter. Criteria: Ambry Variant Classification Scheme 2023. Collection method: clinical testing. Allele origin: germline.

Labcorp Genetics (formerly Invitae), Labcorp
Classification: Uncertain significance for COG8-congenital disorder of glycosylation. Last evaluated: 2022-02-02. Review status: criteria provided, single submitter. Criteria: Invitae Variant Classification Sherloc (09022015). Collection method: clinical testing. Allele origin: germline.
Comment: In summary, the available evidence is currently insufficient to determine the role of this variant in disease. Therefore, it has been classified as a Variant of Uncertain Significance. Algorithms developed to predict the effect of missense changes on protein structure and function are either unavailable or do not agree on the potential impact of this missense change (SIFT: "Deleterious"; PolyPhen-2: "Probably Damaging"; Align-GVGD: "Class C0"). This variant has not been reported in the literature in individuals affected with COG8-related conditions. This variant is present in population databases (rs762499740, gnomAD 0.04%). This sequence change replaces arginine, which is basic and polar, with histidine, which is basic and polar, at codon 139 of the COG8 protein (p.Arg139His).

NM_032382.5(COG8):c.416G>A (p.Arg139His)

Gene: COG8 (component of oligomeric golgi complex 8; minus strand). Cytogenetic location: 16q22.1.
Variant type: single nucleotide variant.
Coding change: c.416G>A on transcript NM_032382.5 (MANE Select); coding-DNA position 416, G replaced by A.
Protein change: p.Arg139His; replaces arginine 139 with histidine.
Molecular consequence: missense variant.
Genome position (GRCh38, 1-based): chr16:69,336,674, C>T on the plus strand (G>A on the coding strand, the complement: COG8 is on the minus strand). VCF-style: chr16-69336674-C-T. GRCh37 (hg19) VCF-style: chr16-69370577-C-T.
Other names: c.416G>A, p.Arg139His (NM_001374871.1, NM_001379261.1, NM_001379262.1 and 4 more transcripts); c.416G>A (NM_032382.4); short protein forms R139H.
Identifiers: ClinVar variation 1414165 (VCV001414165.9), dbSNP rs762499740, ClinGen allele CA8133966.
Genomic context (GRCh38, chr16:69,336,674, plus strand): 5'-GGAATCTCCAGTATTTCCAAAATTTCTGTGTGCCGGTTTAGGGTCAGGCTATTCATCCGG[C>T]GGTTGGAGCTGATCTCCTCGGCTTCCTTCACAAAGTTCCTAGTAATAATCAGAAGAATGT-3'
Protein context (NP_115758.3, residues 129-149): VKEAEEISSN[Arg139His]RMNSLTLNRH